The following is an entry in ClinVar:

ClinVar aggregate classification (germline): Likely benign. Review status: criteria provided, multiple submitters, no conflicts (2 of 4 stars). 2 submissions from 2 submitters: Likely benign (2). Last evaluated 2026-06-18.

Conditions:
Retinoblastoma (RB1). Also called: RETINOBLASTOMA, SOMATIC. Identifiers: Orphanet 790, MedGen C0035335, MeSH D012175, MONDO:0008380, OMIM 180200, HP:0009919. Disease mechanism: loss of function. Inheritance: Both sporadic and heritable forms are tested..

Allele frequency attached by ClinVar (database versions not stated): ExAC 0.00001; TOPMed 0.00001.
gnomAD v4.1: 4 of 1,598,546 alleles (0.00025%); highest among the groups gnomAD compares: Admixed American, 0.0067%; no homozygotes.

Submissions (2):

Myriad Genetics, Inc.
Classification: Likely benign for Retinoblastoma. Last evaluated: 2026-06-18. Review status: criteria provided, single submitter. Criteria: Myriad Autosomal Dominant, Autosomal Recessive and X-Linked Classification Criteria (2023). Collection method: clinical testing. Allele origin: unknown.
Comment: This variant is considered likely benign. This variant is intronic and is not expected to impact mRNA splicing.

Labcorp Genetics (formerly Invitae), Labcorp
Classification: Likely benign for Retinoblastoma. Last evaluated: 2025-08-25. Review status: criteria provided, single submitter. Criteria: Invitae Variant Classification Sherloc (09022015). Collection method: clinical testing. Allele origin: germline.

NM_000321.3(RB1):c.608-12T>C

Gene: RB1 (RB transcriptional corepressor 1; plus strand). Cytogenetic location: 13q14.2.
Variant type: single nucleotide variant.
Coding change: c.608-12T>C on transcript NM_000321.3 (MANE Select); 12 bases into the intron before coding-DNA position 608, T replaced by C.
Molecular consequence: intron variant.
Genome position (GRCh38, 1-based): chr13:48,360,005, T>C. VCF-style: chr13-48360005-T-C. GRCh37 (hg19) VCF-style: chr13-48934141-T-C.
Identifiers: ClinVar variation 2180223 (VCV002180223.5), dbSNP rs757854572, ClinGen allele CA038991.